The following is an entry in ClinVar:

ClinVar aggregate classification (germline): Uncertain significance (1 of 4 stars; one submission).

Submission:

GeneDx
Classification: Uncertain significance. Last evaluated: 2024-10-01. Review status: criteria provided, single submitter. Criteria: GeneDx Variant Classification Process June 2021. Collection method: clinical testing. Allele origin: germline. Affected: yes.
Comment: Not observed at significant frequency in large population cohorts (gnomAD); In silico analysis supports that this missense variant has a deleterious effect on protein structure/function; In silico analysis suggests this variant may impact gene splicing. In the absence of RNA/functional studies, the actual effect of this sequence change is unknown.; Has not been previously published as pathogenic or benign to our knowledge

NM_017613.4(DONSON):c.878G>C (p.Arg293Pro)

Gene: DONSON (DNA replication fork stabilization factor DONSON; minus strand). Cytogenetic location: 21q22.11.
Variant type: single nucleotide variant.
Coding change: c.878G>C on transcript NM_017613.4 (MANE Select); coding-DNA position 878, G replaced by C.
Protein change: p.Arg293Pro; replaces arginine 293 with proline.
Molecular consequence: missense variant.
Genome position (GRCh38, 1-based): chr21:33,583,574, C>G on the plus strand (G>C on the coding strand, the complement: DONSON is on the minus strand). VCF-style: chr21-33583574-C-G. GRCh37 (hg19) VCF-style: chr21-34955880-C-G.
Other names: short protein forms R293P.
Identifiers: ClinVar variation 3776538 (VCV003776538.1).